The following is an entry in ClinVar:

NM_001267550.2(TTN):c.54738del (p.Met18247fs)

Genes: TTN (titin; minus strand), TTN-AS1 (TTN antisense RNA 1; plus strand). Cytogenetic location: 2q31.2.
Variant type: Deletion.
Coding change: c.54738del on transcript NM_001267550.2 (MANE Select); coding-DNA position 54738, one base deleted (C; older notation c.54738delC).
Protein change: p.Met18247fs; shifts the reading frame from methionine 18247.
Molecular consequence: frameshift variant.
Genome position (GRCh38, 1-based): chr2:178,603,949, G deleted on the plus strand (C on the coding strand, the reverse complement: TTN is on the minus strand); the first of 2 consecutive G bases (chr2:178,603,949-178,603,950); deleting either gives the same sequence. VCF-style (leftmost placement, unchanged base first): chr2-178603948-TG-T. GRCh37 (hg19) VCF-style: chr2-179468675-TG-T.
Other names: c.49815del, p.Met16606fs (NM_001256850.1); c.27543del, p.Met9182fs (NM_003319.4); c.47034del, p.Met15679fs (NM_133378.4); c.27918del, p.Met9307fs (NM_133432.3); c.28119del, p.Met9374fs (NM_133437.4); c.27543delC (NM_003319.4); c.49815delC (NM_001256850.1); short protein forms M15679fs, M16606fs, M18247fs, M9182fs, M9307fs, M9374fs.
Identifiers: ClinVar variation 817081 (VCV000817081.2), dbSNP rs1160449898, ClinGen allele CA761291059.
Genomic context (GRCh38, chr2:178,603,948, plus strand): 5'-CTGCAACCTCTGGATCTGATGGTTCACTGGGAGGACCAATTCCTGCAGCATTTATTGCCA[TG>T]GCTCTGAACTGGTATTTAACGCCTTCAAGCAAACGAGGAACATTAAATTCCACGCCTTTC-3'

ClinVar aggregate classification (germline): Likely pathogenic. Review status: criteria provided, multiple submitters, no conflicts (2 of 4 stars). 2 submissions from 2 submitters: Likely pathogenic (2). Last evaluated 2025-12-09.

Conditions:
Cardiovascular phenotype. Identifiers: MedGen CN230736.

Submissions (2):

Ambry Genetics
Classification: Likely pathogenic for Cardiovascular phenotype. Last evaluated: 2025-12-09. Review status: criteria provided, single submitter. Criteria: Ambry Variant Classification Scheme 2023. Collection method: clinical testing. Allele origin: germline.
Comment: The c.27543delC variant, located in coding exon 109 of the TTN gene, results from a deletion of one nucleotide at nucleotide position 27543, causing a translational frameshift with a predicted alternate stop codon (p.M9182Wfs*3). This exon is located in the A-band region of the N2-B isoform of the titin protein and is constitutively expressed in TTN transcripts (percent spliced in or PSI 100%). This variant is considered to be rare based on population cohorts in the Genome Aggregation Database (gnomAD). This variant is expected to result in loss of function by premature protein truncation or nonsense-mediated mRNA decay. While truncating variants in TTN are present in 1-3% of the general population, truncating variants in the A-band are the most common cause of dilated cardiomyopathy (Herman DS et al. N. Engl. J. Med., 2012 Feb;366:619-28; Roberts AM et al. Sci Transl Med, 2015 Jan;7:270ra6). TTN truncating variants encoded in constitutive exons (PSI >90%) have been found to be significantly associated with DCM regardless of their position in titin (Schafer S et al. Nat. Genet., 2017 01;49:46-53; Akhtar MM et al. Circ Heart Fail, 2020 Oct;13:e006832; Massier M et al. Clin Genet, 2025 Jan). Based on the majority of available evidence to date, this variant is likely to be pathogenic.

GeneDx
Classification: Likely pathogenic. Last evaluated: 2018-05-01. Review status: criteria provided, single submitter. Criteria: GeneDx Variant Classification (06012015). Collection method: clinical testing. Allele origin: germline. Affected: yes.
Comment: The c.49815delC likely pathogenic variant in the TTN gene has not been published as pathogenic or benign to our knowledge. c.49815delC causes a shift in reading frame starting at codon Methionine 16606, changing it to a Tryptophan, and creating a premature stop codon at position 3 of the new reading frame, denoted p.Met16606TrpfsX3. This likely pathogenic variant is expected to result in either an abnormal, truncated protein product or loss of protein from this allele through nonsense-mediated mRNA decay. Other truncating TTN variants have been reported in approximately 3% of control alleles (Herman et al., 2012). However, c.49815delC is located in the A-band region of titin, where the majority of truncating pathogenic variants associated with DCM have been reported (Herman et al., 2012). Moreover, the c.49815delC variant has not been observed in large population cohorts (Lek et al., 2016).